The following is an entry in ClinVar:

NM_024580.6(EFL1):c.2333A>G (p.Gln778Arg)

Gene: EFL1 (elongation factor like GTPase 1; minus strand). Cytogenetic location: 15q25.2.
Variant type: single nucleotide variant.
Coding change: c.2333A>G on transcript NM_024580.6 (MANE Select); coding-DNA position 2333, A replaced by G.
Protein change: p.Gln778Arg; replaces glutamine 778 with arginine.
Molecular consequence: missense variant. On other transcripts: non-coding transcript variant (1).
Genome position (GRCh38, 1-based): chr15:82,152,121, T>C on the plus strand (A>G on the coding strand, the complement: EFL1 is on the minus strand). VCF-style: chr15-82152121-T-C. GRCh37 (hg19) VCF-style: chr15-82444462-T-C.
Other names: p.Gln778Arg; c.2180A>G, p.Gln727Arg (NM_001040610.3); c.1544A>G, p.Gln515Arg (NM_001322844.2); c.2333A>G, p.Gln778Arg (NM_001322845.2); short protein forms Q727R, Q515R, Q778R.
Identifiers: ClinVar variation 4541967 (VCV004541967.1).

ClinVar aggregate classification (germline): Uncertain significance (1 of 4 stars; one submission).

gnomAD v4.1: 25 of 1,614,186 alleles (0.0015%); highest among the groups gnomAD compares: Non-Finnish European, 0.0021%; no homozygotes.

Submission:

Mayo Clinic Laboratories, Mayo Clinic
Classification: Uncertain significance. Last evaluated: 2025-12-17. Review status: criteria provided, single submitter. Criteria: ACMG Guidelines, 2015. Collection method: clinical testing. Allele origin: germline. Observed: 1 variant allele.
Comment: BP4_moderate